The following is an entry in ClinVar:

ClinVar aggregate classification (germline): Likely benign. Review status: criteria provided, multiple submitters, no conflicts (2 of 4 stars). 3 submissions from 3 submitters: Likely benign (3). Last evaluated 2026-01-26.

Conditions:
Hereditary cancer-predisposing syndrome. Also called: Tumor predisposition; Hereditary Cancer Syndrome; Hereditary neoplastic syndrome; Neoplastic Syndromes, Hereditary. Identifiers: Orphanet 140162, MedGen C0027672, MeSH D009386, MONDO:0015356.
Ataxia-telangiectasia syndrome (AT). Also called: ATAXIA-TELANGIECTASIA, COMPLEMENTATION GROUP A; ATAXIA-TELANGIECTASIA, FRESNO VARIANT; Ataxia-telangiectasia; Ataxia-telangiectasia, complementation group E; LOUIS-BAR SYNDROME; Cerebello-oculocutaneous telangiectasia. Identifiers: Orphanet 100, MedGen C0004135, MONDO:0008840, OMIM 208900.

Submissions (3):

Ambry Genetics
Classification: Likely benign for Hereditary cancer-predisposing syndrome. Last evaluated: 2026-01-26. Review status: criteria provided, single submitter. Criteria: Ambry Variant Classification Scheme 2023. Collection method: clinical testing. Allele origin: germline.

Molecular Diagnostics Laboratory, Catalan Institute of Oncology
Classification: Likely benign for Hereditary cancer-predisposing syndrome. Last evaluated: 2025-06-25. Review status: criteria provided, single submitter. Criteria: ClinGen ACMG Specifications ATM V1.1.0. Collection method: clinical testing. Allele origin: germline.
Comment: PM2_Supporting, BP4, BP7 c.6903A>G, located in exon 47 of the ATM gene, is predicted to result in no amino acid change, p.(Ala2301=) (BP7). It is not present in the population database gnomAD v2.1.1, non cancer dataset (PM2_Supporting). The SpliceAI algorithm predicts no significant impact on splicing (BP4). To our knowledge, neither relevant clinical data nor well-stablished functional studies have been reported for this variant. It has only been reported once in ClinVar, as a likely benign variant. Based on the currently available information, c.6903A>G is classified as a likely benign variant according to ClinGen-ATM Guidelines version 1.1.

Labcorp Genetics (formerly Invitae), Labcorp
Classification: Likely benign for Ataxia-telangiectasia syndrome. Last evaluated: 2022-07-29. Review status: criteria provided, single submitter. Criteria: Invitae Variant Classification Sherloc (09022015). Collection method: clinical testing. Allele origin: germline.

NM_000051.4(ATM):c.6903A>G (p.Ala2301=)

Genes: C11orf65 (chromosome 11 open reading frame 65; minus strand), ATM (ATM serine/threonine kinase; plus strand). Cytogenetic location: 11q22.3.
Variant type: single nucleotide variant.
Coding change: c.6903A>G on transcript NM_000051.4 (MANE Select); coding-DNA position 6903, A replaced by G.
Protein change: p.Ala2301=; no amino-acid change (alanine 2301 retained).
Molecular consequence: synonymous variant. On other transcripts: intron variant (2).
Genome position (GRCh38, 1-based): chr11:108,326,153, A>G. VCF-style: chr11-108326153-A-G. GRCh37 (hg19) VCF-style: chr11-108196880-A-G.
Other names: c.6903A>G, p.Ala2301= (NM_001351834.2); c.641-17082T>C (NM_001330368.2); c.*38+9067T>C (NM_001351110.2).
Identifiers: ClinVar variation 2119411 (VCV002119411.6), dbSNP rs2136336159, ClinGen allele CA476676349.